The following is an entry in ClinVar:

ClinVar aggregate classification (germline): Uncertain significance (1 of 4 stars; one submission).

Conditions:
Hereditary cancer-predisposing syndrome. Also called: Neoplastic Syndromes, Hereditary; Tumor predisposition; Hereditary neoplastic syndrome; Hereditary Cancer Syndrome. Identifiers: Orphanet 140162, MedGen C0027672, MeSH D009386, MONDO:0015356.

Submission:

Ambry Genetics
Classification: Uncertain significance for Hereditary cancer-predisposing syndrome. Last evaluated: 2023-10-09. Review status: criteria provided, single submitter. Criteria: Ambry Variant Classification Scheme 2023. Collection method: clinical testing. Allele origin: germline.
Comment: The p.K191E variant (also known as c.571A>G), located in coding exon 4 of the DICER1 gene, results from an A to G substitution at nucleotide position 571. The lysine at codon 191 is replaced by glutamic acid, an amino acid with similar properties. This amino acid position is conserved. In addition, the in silico prediction for this alteration is inconclusive. Since supporting evidence is limited at this time, the clinical significance of this alteration remains unclear.

NM_177438.3(DICER1):c.571A>G (p.Lys191Glu)

Gene: DICER1 (dicer 1, ribonuclease III; minus strand). Cytogenetic location: 14q32.13.
Variant type: single nucleotide variant.
Coding change: c.571A>G on transcript NM_177438.3 (MANE Select); coding-DNA position 571, A replaced by G.
Protein change: p.Lys191Glu; replaces lysine 191 with glutamic acid.
Molecular consequence: missense variant. On other transcripts: 5 prime UTR variant (1), non-coding transcript variant (6).
Genome position (GRCh38, 1-based): chr14:95,130,060, T>C on the plus strand (A>G on the coding strand, the complement: DICER1 is on the minus strand). VCF-style: chr14-95130060-T-C. GRCh37 (hg19) VCF-style: chr14-95596397-T-C.
Other names: c.571A>G, p.Lys191Glu (NM_001195573.1, NM_001271282.3, NM_001291628.2 and 15 more transcripts); c.289A>G, p.Lys97Glu (NM_001395686.1); c.166A>G, p.Lys56Glu (NM_001395687.1, NM_001395688.1, NM_001395689.1 and 3 more transcripts); c.4A>G, p.Lys2Glu (NM_001395691.1); c.-998A>G (NM_001395697.1); short protein forms K191E, K2E, K56E, K97E.
Identifiers: ClinVar variation 3229441 (VCV003229441.1), dbSNP rs2140266023, ClinGen allele CA390888330.